The following is an entry in ClinVar:

NM_000051.4(ATM):c.2805G>T (p.Thr935=)

Gene: ATM (ATM serine/threonine kinase; plus strand). Cytogenetic location: 11q22.3.
Variant type: single nucleotide variant.
Coding change: c.2805G>T on transcript NM_000051.4 (MANE Select); coding-DNA position 2805, G replaced by T.
Protein change: p.Thr935=; no amino-acid change (threonine 935 retained).
Molecular consequence: synonymous variant.
Genome position (GRCh38, 1-based): chr11:108,268,576, G>T. VCF-style: chr11-108268576-G-T. GRCh37 (hg19) VCF-style: chr11-108139303-G-T.
Other names: c.2805G>T, p.Thr935= (NM_001351834.2).
Identifiers: ClinVar variation 231204 (VCV000231204.26), dbSNP rs55934812, ClinGen allele CA6265115.

ClinVar aggregate classification (germline): Benign/Likely benign. Review status: criteria provided, multiple submitters, no conflicts (2 of 4 stars). 8 submissions from 8 submitters: Benign (2); Likely benign (5). 1 of the submissions does not count toward it. Last evaluated 2026-01-31.

Conditions:
Hereditary cancer-predisposing syndrome. Also called: Hereditary Cancer Syndrome; Neoplastic Syndromes, Hereditary; Tumor predisposition; Hereditary neoplastic syndrome. Identifiers: Orphanet 140162, MedGen C0027672, MeSH D009386, MONDO:0015356.
Ataxia-telangiectasia syndrome (AT). Also called: Ataxia telangiectasia (A-T); Ataxia-telangiectasia, complementation group E; LOUIS-BAR SYNDROME; Cerebello-oculocutaneous telangiectasia; Immunodeficiency with ataxia telangiectasia; Ataxia-telangiectasia, complementation group D. Identifiers: Orphanet 100, MedGen C0004135, MONDO:0008840, OMIM 208900.
Familial cancer of breast. Also called: Hereditary breast cancer; hereditary breast carcinoma; BREAST CANCER, FAMILIAL. Identifiers: Orphanet 227535, MedGen C0346153, MONDO:0016419, OMIM 114480. Disease mechanism: loss of function.

Allele frequency attached by ClinVar (database versions not stated): TOPMed 0.00009.
gnomAD v4.1: 11 of 1,613,888 alleles (0.00068%); highest among the groups gnomAD compares: African/African-American, 0.015%; no homozygotes.

Submissions (8):

Labcorp Genetics (formerly Invitae), Labcorp
Classification: Likely benign for Ataxia-telangiectasia syndrome. Last evaluated: 2026-01-31. Review status: criteria provided, single submitter. Criteria: Invitae Variant Classification Sherloc (09022015). Collection method: clinical testing. Allele origin: germline.

Myriad Genetics, Inc.
Classification: Benign for Familial cancer of breast. Last evaluated: 2024-05-10. Review status: criteria provided, single submitter. Criteria: Myriad Autosomal Dominant, Autosomal Recessive and X-Linked Classification Criteria (2023). Collection method: clinical testing. Allele origin: unknown.
Comment: This variant is considered benign. This variant is a silent/synonymous amino acid change and it is not expected to impact splicing.

Sema4
Classification: Likely benign for Hereditary cancer-predisposing syndrome. Last evaluated: 2022-02-01. Review status: criteria provided, single submitter. Criteria: Sema4 Curation Guidelines. Collection method: curation. Allele origin: germline.

Women's Health and Genetics/Laboratory Corporation of America, LabCorp
Classification: Likely benign. Last evaluated: 2019-08-21. Review status: criteria provided, single submitter. Criteria: LabCorp Variant Classification Summary - May 2015. Collection method: clinical testing. Allele origin: germline.

Color Diagnostics, LLC DBA Color Health
Classification: Likely benign for Hereditary cancer-predisposing syndrome. Last evaluated: 2018-03-07. Review status: criteria provided, single submitter. Criteria: ACMG Guidelines, 2015. Collection method: clinical testing. Allele origin: germline.

GeneDx
Classification: Benign. Last evaluated: 2015-05-05. Review status: criteria provided, single submitter. Criteria: GeneDx Variant Classification (06012015). Collection method: clinical testing. Allele origin: germline. Affected: yes.
Comment: This variant is considered likely benign or benign based on one or more of the following criteria: it is a conservative change, it occurs at a poorly conserved position in the protein, it is predicted to be benign by multiple in silico algorithms, and/or has population frequency not consistent with disease.

Ambry Genetics
Classification: Likely benign for Hereditary cancer-predisposing syndrome. Last evaluated: 2015-04-07. Review status: criteria provided, single submitter. Criteria: Ambry Variant Classification Scheme 2023. Collection method: clinical testing. Allele origin: germline.

Natera, Inc.
Classification: Likely benign for Ataxia-telangiectasia. Last evaluated: 2021-07-15. Review status: no assertion criteria provided. Collection method: clinical testing. Allele origin: germline. Not counted in ClinVar's aggregate classification.